The following is an entry in ClinVar:

ClinVar aggregate classification (germline): Uncertain significance (1 of 4 stars; one submission).

Conditions:
Familial hemophagocytic lymphohistiocytosis 5. Also called: STXBP2-Related Familial Hemophagocytic Lymphohistiocytosis (STXBP2-fHLH). Identifiers: Orphanet 540, MedGen C2751293, MONDO:0013135, OMIM 613101.

Allele frequency attached by ClinVar (database versions not stated): gnomAD exomes 0.00004 and 0.00005; ExAC 0.00005; gnomAD 0.00006 and 0.00007; TOPMed 0.00008; ESP Exome Variant Server 0.00016.
gnomAD v4.1: 64 of 1,551,642 alleles (0.0041%); highest among the groups gnomAD compares: Admixed American, 0.012%; no homozygotes.

Submission:

Labcorp Genetics (formerly Invitae), Labcorp
Classification: Uncertain significance for Familial hemophagocytic lymphohistiocytosis 5. Last evaluated: 2022-04-07. Review status: criteria provided, single submitter. Criteria: Invitae Variant Classification Sherloc (09022015). Collection method: clinical testing. Allele origin: germline.
Comment: This sequence change replaces glutamine, which is neutral and polar, with arginine, which is basic and polar, at codon 168 of the STXBP2 protein (p.Gln168Arg). This variant is present in population databases (rs369683019, gnomAD 0.01%). This variant has not been reported in the literature in individuals affected with STXBP2-related conditions. ClinVar contains an entry for this variant (Variation ID: 854594). Algorithms developed to predict the effect of missense changes on protein structure and function are either unavailable or do not agree on the potential impact of this missense change (SIFT: "Tolerated"; PolyPhen-2: "Possibly Damaging"; Align-GVGD: "Class C0"). In summary, the available evidence is currently insufficient to determine the role of this variant in disease. Therefore, it has been classified as a Variant of Uncertain Significance.

NM_006949.4(STXBP2):c.503A>G (p.Gln168Arg)

Gene: STXBP2 (syntaxin binding protein 2; plus strand). Cytogenetic location: 19p13.2.
Variant type: single nucleotide variant.
Coding change: c.503A>G on transcript NM_006949.4 (MANE Select); coding-DNA position 503, A replaced by G.
Protein change: p.Gln168Arg; replaces glutamine 168 with arginine.
Molecular consequence: missense variant. On other transcripts: non-coding transcript variant (1).
Genome position (GRCh38, 1-based): chr19:7,641,778, A>G. VCF-style: chr19-7641778-A-G. GRCh37 (hg19) VCF-style: chr19-7706664-A-G.
Other names: c.494A>G, p.Gln165Arg (NM_001127396.3); c.536A>G, p.Gln179Arg (NM_001272034.2); short protein forms Q168R, Q179R, Q165R.
Identifiers: ClinVar variation 854594 (VCV000854594.7), dbSNP rs369683019, ClinGen allele CA9143675.